The following is an entry in ClinVar:

ClinVar aggregate classification (germline): Uncertain significance. Review status: criteria provided, multiple submitters, no conflicts (2 of 4 stars). 2 submissions from 2 submitters: Uncertain significance (2). Last evaluated 2024-08-20.

Conditions:
Inborn genetic diseases. Identifiers: MedGen C0950123, MeSH D030342.

Allele frequency attached by ClinVar (database versions not stated): gnomAD 0.00001; ExAC 0.00002; TOPMed 0.00003.
gnomAD v4.1: 28 of 1,613,820 alleles (0.0017%); highest among the groups gnomAD compares: Non-Finnish European, 0.002%; no homozygotes.

Submissions (2):

Ambry Genetics
Classification: Uncertain significance for Inborn genetic diseases. Last evaluated: 2024-08-20. Review status: criteria provided, single submitter. Criteria: Ambry Variant Classification Scheme 2023. Collection method: clinical testing. Allele origin: germline.

Labcorp Genetics (formerly Invitae), Labcorp
Classification: Uncertain significance. Last evaluated: 2022-05-21. Review status: criteria provided, single submitter. Criteria: Invitae Variant Classification Sherloc (09022015). Collection method: clinical testing. Allele origin: germline.
Comment: This sequence change replaces arginine, which is basic and polar, with cysteine, which is neutral and slightly polar, at codon 1600 of the LTBP2 protein (p.Arg1600Cys). This variant is present in population databases (rs768138050, gnomAD 0.006%). This variant has not been reported in the literature in individuals affected with LTBP2-related conditions. Algorithms developed to predict the effect of missense changes on protein structure and function (SIFT, PolyPhen-2, Align-GVGD) all suggest that this variant is likely to be disruptive. In summary, the available evidence is currently insufficient to determine the role of this variant in disease. Therefore, it has been classified as a Variant of Uncertain Significance.

NM_000428.3(LTBP2):c.4798C>T (p.Arg1600Cys)

Gene: LTBP2 (latent transforming growth factor beta binding protein 2; minus strand). Cytogenetic location: 14q24.3.
Variant type: single nucleotide variant.
Coding change: c.4798C>T on transcript NM_000428.3 (MANE Select); coding-DNA position 4798, C replaced by T.
Protein change: p.Arg1600Cys; replaces arginine 1600 with cysteine.
Molecular consequence: missense variant.
Genome position (GRCh38, 1-based): chr14:74,503,309, G>A on the plus strand (C>T on the coding strand, the complement: LTBP2 is on the minus strand). VCF-style: chr14-74503309-G-A. GRCh37 (hg19) VCF-style: chr14-74970012-G-A.
Other names: c.4798C>T (NM_000428.2); short protein forms R1600C.
Identifiers: ClinVar variation 2076737 (VCV002076737.2), dbSNP rs768138050, ClinGen allele CA7268630.